The following is an entry in ClinVar:

ClinVar aggregate classification (germline): Uncertain significance (1 of 4 stars; one submission).

Conditions:
Hereditary cancer-predisposing syndrome. Also called: Neoplastic Syndromes, Hereditary; Tumor predisposition; Hereditary neoplastic syndrome; Hereditary Cancer Syndrome. Identifiers: Orphanet 140162, MedGen C0027672, MeSH D009386, MONDO:0015356.

Submission:

Ambry Genetics
Classification: Uncertain significance for Hereditary cancer-predisposing syndrome. Last evaluated: 2018-12-04. Review status: criteria provided, single submitter. Criteria: Ambry Variant Classification Scheme 2023. Collection method: clinical testing. Allele origin: germline.
Comment: The p.V254G variant (also known as c.761T>G), located in coding exon 6 of the SDHA gene, results from a T to G substitution at nucleotide position 761. The valine at codon 254 is replaced by glycine, an amino acid with dissimilar properties. This amino acid position is poorly conserved in available vertebrate species. In addition, this alteration is predicted to be deleterious by in silico analysis. Since supporting evidence is limited at this time, the clinical significance of this alteration remains unclear.

NM_004168.4(SDHA):c.761T>G (p.Val254Gly)

Gene: SDHA (succinate dehydrogenase complex flavoprotein subunit A; plus strand). Cytogenetic location: 5p15.33.
Variant type: single nucleotide variant.
Coding change: c.761T>G on transcript NM_004168.4 (MANE Select); coding-DNA position 761, T replaced by G.
Protein change: p.Val254Gly; replaces valine 254 with glycine.
Molecular consequence: missense variant.
Genome position (GRCh38, 1-based): chr5:228,324, T>G. VCF-style: chr5-228324-T-G. GRCh37 (hg19) VCF-style: chr5-228439-T-G.
Other names: c.617T>G, p.Val206Gly (NM_001294332.2); c.761T>G, p.Val254Gly (NM_001330758.2); short protein forms V206G, V254G.
Identifiers: ClinVar variation 827157 (VCV000827157.4), dbSNP rs1579391677, ClinGen allele CA359011233.
Genomic context (GRCh38, chr5:228,324, plus strand): 5'-TCATCGCACTGTGCATAGAGGACGGGTCCATCCATCGCATAAGAGCAAAGAACACTGTTG[T>G]TGCCACAGGGTAGGAATCTCATTTCTACTTTATTTTGTTTATAAAAATGAATAAATTTCA-3'
Protein context (NP_004159.2, residues 244-264): IHRIRAKNTV[Val254Gly]ATGGYGRTYF